The following is an entry in ClinVar:

NM_001267550.2(TTN):c.44819del (p.Pro14940fs)

Gene: TTN (titin; minus strand). Cytogenetic location: 2q31.2.
Variant type: Deletion.
Coding change: c.44819del on transcript NM_001267550.2 (MANE Select); coding-DNA position 44819, one base deleted (C; older notation c.44819delC).
Protein change: p.Pro14940fs; shifts the reading frame from proline 14940.
Molecular consequence: frameshift variant.
Genome position (GRCh38, 1-based): chr2:178,622,764, G deleted on the plus strand (C on the coding strand, the reverse complement: TTN is on the minus strand); the first of 2 consecutive G bases (chr2:178,622,764-178,622,765); deleting either gives the same sequence. VCF-style (leftmost placement, unchanged base first): chr2-178622763-AG-A. GRCh37 (hg19) VCF-style: chr2-179487490-AG-A.
Other names: c.39896del, p.Pro13299fs (NM_001256850.1); c.17624del, p.Pro5875fs (NM_003319.4); c.37115del, p.Pro12372fs (NM_133378.4); c.17999del, p.Pro6000fs (NM_133432.3); c.18200del, p.Pro6067fs (NM_133437.4); c.17624delC (NM_003319.4); short protein forms P12372fs, P5875fs, P6000fs, P6067fs, P13299fs, P14940fs.
Identifiers: ClinVar variation 4615350 (VCV004615350.1).

ClinVar aggregate classification (germline): Likely pathogenic (1 of 4 stars; one submission).

Conditions:
Cardiovascular phenotype. Identifiers: MedGen CN230736.

Submission:

Ambry Genetics
Classification: Likely pathogenic for Cardiovascular phenotype. Last evaluated: 2025-10-29. Review status: criteria provided, single submitter. Criteria: Ambry Variant Classification Scheme 2023. Collection method: clinical testing. Allele origin: germline.
Comment: The c.17624delC variant, located in coding exon 70 of the TTN gene, results from a deletion of one nucleotide at nucleotide position 17624, causing a translational frameshift with a predicted alternate stop codon (p.P5875Lfs*6). This exon is located in the I-band region of the N2-B isoform of the titin protein and is constitutively expressed in TTN transcripts (percent spliced in or PSI 100%). This variant is considered to be rare based on population cohorts in the Genome Aggregation Database (gnomAD). This variant is expected to result in loss of function by premature protein truncation or nonsense-mediated mRNA decay. While truncating variants in TTN are present in 1-3% of the general population, truncating variants in the A-band are the most common cause of dilated cardiomyopathy (Herman DS et al. N. Engl. J. Med., 2012 Feb;366:619-28; Roberts AM et al. Sci Transl Med, 2015 Jan;7:270ra6). TTN truncating variants encoded in constitutive exons (PSI >90%) have been found to be significantly associated with DCM regardless of their position in titin (Schafer S et al. Nat. Genet., 2017 01;49:46-53; Akhtar MM et al. Circ Heart Fail, 2020 Oct;13:e006832; Massier M et al. Clin Genet, 2025 Jan). Based on the majority of available evidence to date, this variant is likely to be pathogenic.